The following is an entry in ClinVar:

NM_000821.7(GGCX):c.1153C>T (p.Gln385Ter)

Gene: GGCX (gamma-glutamyl carboxylase; minus strand). Cytogenetic location: 2p11.2.
Variant type: single nucleotide variant.
Coding change: c.1153C>T on transcript NM_000821.7 (MANE Select); coding-DNA position 1153, C replaced by T.
Protein change: p.Gln385Ter; replaces glutamine 385 with a stop codon.
Molecular consequence: nonsense.
Genome position (GRCh38, 1-based): chr2:85,553,234, G>A on the plus strand (C>T on the coding strand, the complement: GGCX is on the minus strand). VCF-style: chr2-85553234-G-A. GRCh37 (hg19) VCF-style: chr2-85780357-G-A.
Other names: c.982C>T, p.Gln328Ter (NM_001142269.4); short protein forms Q328*, Q385*.
Identifiers: ClinVar variation 3609969 (VCV003609969.2).

ClinVar aggregate classification (germline): Pathogenic (1 of 4 stars; one submission).

Submission:

Labcorp Genetics (formerly Invitae), Labcorp
Classification: Pathogenic. Last evaluated: 2024-04-29. Review status: criteria provided, single submitter. Criteria: Invitae Variant Classification Sherloc (09022015). Collection method: clinical testing. Allele origin: germline.
Comment: This sequence change creates a premature translational stop signal (p.Gln385*) in the GGCX gene. It is expected to result in an absent or disrupted protein product. Loss-of-function variants in GGCX are known to be pathogenic (PMID: 17110937, 17327402, 24520408). This variant is present in population databases (no rsID available, gnomAD 0.003%). This variant has not been reported in the literature in individuals affected with GGCX-related conditions. Algorithms developed to predict the effect of sequence changes on RNA splicing suggest that this variant may disrupt the consensus splice site. For these reasons, this variant has been classified as Pathogenic.

Literature cited by the submitters: PubMed 17110937; PubMed 17327402; PubMed 24520408.